The following is an entry in ClinVar:

NM_000384.3(APOB):c.13006A>G (p.Ile4336Val)

Gene: APOB (apolipoprotein B; minus strand). Cytogenetic location: 2p24.1.
Variant type: single nucleotide variant.
Coding change: c.13006A>G on transcript NM_000384.3 (MANE Select); coding-DNA position 13006, A replaced by G.
Protein change: p.Ile4336Val; replaces isoleucine 4336 with valine.
Molecular consequence: missense variant.
Genome position (GRCh38, 1-based): chr2:21,002,416, T>C on the plus strand (A>G on the coding strand, the complement: APOB is on the minus strand). VCF-style: chr2-21002416-T-C. GRCh37 (hg19) VCF-style: chr2-21225288-T-C.
Other names: short protein forms I4336V.
Identifiers: ClinVar variation 3307858 (VCV003307858.1).
Genomic context (GRCh38, chr2:21,002,416, plus strand): 5'-GATTAAGGCATAGGTTTTCTTTCAACAATTTAAAAACATATGGGATATAATCACTGAAGA[T>C]TGTGTTGATCTCATCTTGGATATAATTAATAAGATAAGTAAATTTCATCTCTTTCAGCTG-3'
Protein context (NP_000375.3, residues 4326-4346): INYIQDEINT[Ile4336Val]FSDYIPYVFK

ClinVar aggregate classification (germline): Uncertain significance (1 of 4 stars; one submission).

Conditions:
Cardiovascular phenotype. Identifiers: MedGen CN230736.

gnomAD v4.1: 1 of 1,600,306 alleles (0.000062%); highest among the groups gnomAD compares: Admixed American, 0.0017%; no homozygotes.

Submission:

Ambry Genetics
Classification: Uncertain significance for Cardiovascular phenotype. Last evaluated: 2024-05-02. Review status: criteria provided, single submitter. Criteria: Ambry Variant Classification Scheme 2023. Collection method: clinical testing. Allele origin: germline.
Comment: The p.I4336V variant (also known as c.13006A>G), located in coding exon 29 of the APOB gene, results from an A to G substitution at nucleotide position 13006. The isoleucine at codon 4336 is replaced by valine, an amino acid with highly similar properties. This amino acid position is conserved. In addition, this alteration is predicted to be tolerated by in silico analysis. Based on the available evidence, the clinical significance of this variant remains unclear.